The following is an entry in ClinVar:

NM_001754.5(RUNX1):c.252C>G (p.Asp84Glu)

Gene: RUNX1 (RUNX family transcription factor 1; minus strand). Cytogenetic location: 21q22.12.
Variant type: single nucleotide variant.
Coding change: c.252C>G on transcript NM_001754.5 (MANE Select); coding-DNA position 252, C replaced by G.
Protein change: p.Asp84Glu; replaces aspartic acid 84 with glutamic acid.
Molecular consequence: missense variant.
Genome position (GRCh38, 1-based): chr21:34,886,942, G>C on the plus strand (C>G on the coding strand, the complement: RUNX1 is on the minus strand). VCF-style: chr21-34886942-G-C. GRCh37 (hg19) VCF-style: chr21-36259239-G-C.
Other names: NM_001754.5:c.252C>G; c.171C>G, p.Asp57Glu (NM_001001890.3, NM_001122607.2); short protein forms D57E, D84E.
Identifiers: ClinVar variation 1337164 (VCV001337164.11), dbSNP rs2058000249, ClinGen allele CA16622098.

ClinVar aggregate classification (germline): Uncertain significance. Review status: reviewed by expert panel (3 of 4 stars). 4 submissions from 4 submitters: Uncertain significance (1). 3 of the submissions do not count toward it. Last evaluated 2024-08-12.

Conditions:
Hereditary thrombocytopenia and hematologic cancer predisposition syndrome. Identifiers: Orphanet 71290, MedGen CN281654, MONDO:0011071.
Hereditary thrombocytopenia and hematological cancer predisposition syndrome associated with RUNX1. Also called: PLATELET DISORDER, ASPIRIN-LIKE; RUNX1 Familial Platelet Disorder with Associated Myeloid Malignancies; Familial Platelet Disorder with Propensity to Acute Myelogenous Leukemia; Familial thrombocytopenia with propensity to acute myelogenous leukemia. Identifiers: Orphanet 71290, MedGen C1832388, MeSH C563324, MONDO:0100083, OMIM 601399.
Inborn genetic diseases. Identifiers: MedGen C0950123, MeSH D030342.

Allele frequency attached by ClinVar (database versions not stated): TOPMed below 0.00001.

Submissions (4):

ClinGen Myeloid Malignancy Variant Curation Expert Panel
Classification: Uncertain significance for Hereditary thrombocytopenia and hematologic cancer predisposition syndrome. Last evaluated: 2024-08-12. Review status: reviewed by expert panel. Criteria: ClinGen MyeloMalig ACMG Specifications v2. Collection method: curation. Allele origin: germline. Inheritance: Autosomal dominant inheritance.
Comment: NM_001754.5(RUNX1):c.252C>G (p.Asp84Glu) is a missense variant which is absent from gnomAD v2 and v3 (PM2_Supporting). The germline variant has not been published or reported in any individuals meeting RUNX1-defined phenotype criteria (PMID: 27153395). The computational predictor, REVEL, gives a score of 0.621, which is neither above nor below the thresholds predicting a damaging or benign impact on RUNX1 function. Note that the results from the in silico splicing predictor, SpliceAI, support that this variant does not affect splicing. In summary, this variant meets the criteria to be classified as VUS for autosomal dominant hereditary thrombocytopenia and hematologic cancer predisposition syndrome based on the ACMG/AMP criteria applied, as specified by the ClinGen Myeloid Malignancy VCEP: PM2_Supporting.

Ambry Genetics
Classification: Uncertain significance for Inborn genetic diseases. Last evaluated: 2025-05-06. Review status: criteria provided, single submitter. Criteria: Ambry Variant Classification Scheme 2023. Collection method: clinical testing. Allele origin: germline. Not counted in ClinVar's aggregate classification.
Comment: The p.D84E variant (also known as c.252C>G), located in coding exon 3 of the RUNX1 gene, results from a C to G substitution at nucleotide position 252. The aspartic acid at codon 84 is replaced by glutamic acid, an amino acid with highly similar properties. This amino acid position is highly conserved in available vertebrate species. In addition, the in silico prediction for this alteration is inconclusive. Based on the available evidence, the clinical significance of this variant remains unclear.

Labcorp Genetics (formerly Invitae), Labcorp
Classification: Uncertain significance for Hereditary thrombocytopenia and hematological cancer predisposition syndrome associated with RUNX1. Last evaluated: 2024-04-23. Review status: criteria provided, single submitter. Criteria: Invitae Variant Classification Sherloc (09022015). Collection method: clinical testing. Allele origin: germline. Not counted in ClinVar's aggregate classification.
Comment: This sequence change replaces aspartic acid, which is acidic and polar, with glutamic acid, which is acidic and polar, at codon 84 of the RUNX1 protein (p.Asp84Glu). This variant is not present in population databases (gnomAD no frequency). This variant has not been reported in the literature in individuals affected with RUNX1-related conditions. ClinVar contains an entry for this variant (Variation ID: 1337164). Advanced modeling of protein sequence and biophysical properties (such as structural, functional, and spatial information, amino acid conservation, physicochemical variation, residue mobility, and thermodynamic stability) has been performed at Invitae for this missense variant, however the output from this modeling did not meet the statistical confidence thresholds required to predict the impact of this variant on RUNX1 protein function. In summary, the available evidence is currently insufficient to determine the role of this variant in disease. Therefore, it has been classified as a Variant of Uncertain Significance.

Genetic Services Laboratory, University of Chicago
Classification: Uncertain significance. Last evaluated: 2019-12-11. Review status: criteria provided, single submitter. Criteria: ACMG Guidelines, 2015. Collection method: clinical testing. Allele origin: germline. Affected: no. Not counted in ClinVar's aggregate classification.